The following is an entry in ClinVar:

ClinVar aggregate classification (germline): Pathogenic/Likely pathogenic. Review status: criteria provided, multiple submitters, no conflicts (2 of 4 stars). 4 submissions from 4 submitters: Pathogenic (3); Likely pathogenic (1). Last evaluated 2024-10-07.

Conditions:
Hereditary pulmonary alveolar proteinosis. Also called: Pulmonary surfactant metabolism dysfunction. Identifiers: Orphanet 264675, MedGen C3711368, MONDO:0012580.
Interstitial lung disease due to ABCA3 deficiency. Also called: PULMONARY ALVEOLAR PROTEINOSIS, CONGENITAL, 3. Identifiers: Orphanet 440402, MedGen C1970456, MONDO:0012582, OMIM 610921.

Submissions (4):

Myriad Genetics, Inc.
Classification: Pathogenic for Interstitial lung disease due to ABCA3 deficiency. Last evaluated: 2024-10-07. Review status: criteria provided, single submitter. Criteria: Myriad Autosomal Dominant, Autosomal Recessive and X-Linked Classification Criteria (2023). Collection method: clinical testing. Allele origin: unknown.
Comment: NM_001089.2(ABCA3):c.1455C>G(Y485*) is expected to be pathogenic in the context of surfactant deficiency, ABCA3-related. This variant is predicted to lead to an abnormal or absent protein product due to the creation of a premature termination codon in ABCA3, a gene where loss-of-function variants are known to be pathogenic. Please note: this variant was assessed in the context of healthy population screening.

Fulgent Genetics
Classification: Likely pathogenic for Interstitial lung disease due to ABCA3 deficiency. Last evaluated: 2024-05-13. Review status: criteria provided, single submitter. Criteria: ACMG Guidelines, 2015. Collection method: clinical testing. Allele origin: germline.

Labcorp Genetics (formerly Invitae), Labcorp
Classification: Pathogenic. Last evaluated: 2024-02-11. Review status: criteria provided, single submitter. Criteria: Invitae Variant Classification Sherloc (09022015). Collection method: clinical testing. Allele origin: germline.
Comment: This sequence change creates a premature translational stop signal (p.Tyr485*) in the ABCA3 gene. It is expected to result in an absent or disrupted protein product. Loss-of-function variants in ABCA3 are known to be pathogenic (PMID: 27516224). This variant is not present in population databases (gnomAD no frequency). This premature translational stop signal has been observed in individual(s) with interstitial lung disease (PMID: 24871971). ClinVar contains an entry for this variant (Variation ID: 1773032). For these reasons, this variant has been classified as Pathogenic.

Ambry Genetics
Classification: Pathogenic for Hereditary pulmonary alveolar proteinosis. Last evaluated: 2017-12-21. Review status: criteria provided, single submitter. Criteria: Ambry Variant Classification Scheme 2023. Collection method: clinical testing. Allele origin: germline.
Comment: The p.Y485* pathogenic mutation (also known as c.1455C>G), located in coding exon 9 of the ABCA3 gene, results from a C to G substitution at nucleotide position 1455. This changes the amino acid from a tyrosine to a stop codon within coding exon 9. This alteration is expected to result in loss of function by premature protein truncation or nonsense-mediated mRNA decay. As such, this alteration is interpreted as a disease-causing mutation.

Literature cited by the submitters: PubMed 27516224 (cited by Labcorp Genetics (formerly Invitae), Labcorp); PubMed 24871971 (cited by Labcorp Genetics (formerly Invitae), Labcorp).

NM_001089.3(ABCA3):c.1455C>G (p.Tyr485Ter)

Gene: ABCA3 (ATP binding cassette subfamily A member 3; minus strand). Cytogenetic location: 16p13.3.
Variant type: single nucleotide variant.
Coding change: c.1455C>G on transcript NM_001089.3 (MANE Select); coding-DNA position 1455, C replaced by G.
Protein change: p.Tyr485Ter; replaces tyrosine 485 with a stop codon.
Molecular consequence: nonsense.
Genome position (GRCh38, 1-based): chr16:2,303,981, G>C on the plus strand (C>G on the coding strand, the complement: ABCA3 is on the minus strand). VCF-style: chr16-2303981-G-C. GRCh37 (hg19) VCF-style: chr16-2353982-G-C.
Other names: short protein forms Y485*.
Identifiers: ClinVar variation 1773032 (VCV001773032.7), dbSNP rs1406324789, ClinGen allele CA394337106.